The following is an entry in ClinVar:

ClinVar aggregate classification (germline): Uncertain significance (1 of 4 stars; one submission).

Conditions:
Dyskeratosis congenita. Identifiers: Orphanet 1775, MedGen C0265965, MONDO:0015780.

Submission:

Ambry Genetics
Classification: Uncertain significance for Dyskeratosis congenita. Last evaluated: 2024-01-21. Review status: criteria provided, single submitter. Criteria: Ambry Variant Classification Scheme 2023. Collection method: clinical testing. Allele origin: germline.
Comment: The p.R381L variant (also known as c.1142G>T), located in coding exon 2 of the TERT gene, results from a G to T substitution at nucleotide position 1142. The arginine at codon 381 is replaced by leucine, an amino acid with dissimilar properties. This amino acid position is conserved. In addition, the in silico prediction for this alteration is inconclusive. Based on the available evidence, the clinical significance of this alteration remains unclear.

NM_198253.3(TERT):c.1142G>T (p.Arg381Leu)

Gene: TERT (telomerase reverse transcriptase; minus strand). Cytogenetic location: 5p15.33.
Variant type: single nucleotide variant.
Coding change: c.1142G>T on transcript NM_198253.3 (MANE Select); coding-DNA position 1142, G replaced by T.
Protein change: p.Arg381Leu; replaces arginine 381 with leucine.
Molecular consequence: missense variant. On other transcripts: non-coding transcript variant (2).
Genome position (GRCh38, 1-based): chr5:1,293,744, C>A on the plus strand (G>T on the coding strand, the complement: TERT is on the minus strand). VCF-style: chr5-1293744-C-A. GRCh37 (hg19) VCF-style: chr5-1293859-C-A.
Other names: c.1142G>T, p.Arg381Leu (NM_001193376.3, NM_003219.1); short protein forms R381L.
Identifiers: ClinVar variation 3238569 (VCV003238569.1), dbSNP rs777343359.